The following is an entry in ClinVar:

NM_001085411.3(NADK2):c.161_186dup (p.Asp63fs)

Genes: NADK2 (NAD kinase 2, mitochondrial; minus strand), LOC129993801 (ATAC-STARR-seq lymphoblastoid silent region 15972; plus strand). Cytogenetic location: 5p13.2.
Variant type: Duplication.
Coding change: c.161_186dup on transcript NM_001085411.3 (MANE Select); coding-DNA positions 161 to 186, 26 bases duplicated (AGCTGGCGGGCTGTGGCAGCCGCGCG).
Protein change: p.Asp63fs; shifts the reading frame from aspartic acid 63.
Molecular consequence: frameshift variant. On other transcripts: intron variant (2).
Genome position (GRCh38, 1-based): chr5:36,241,613-36,241,638, CGCGCGGCTGCCACAGCCCGCCAGCT duplicated on the plus strand (AGCTGGCGGGCTGTGGCAGCCGCGCG on the coding strand, the reverse complement: NADK2 is on the minus strand); duplicating any 26 consecutive bases within chr5:36,241,613-36,241,650 gives the same sequence; the c. name uses the placement nearest the transcript's 3' end. VCF-style (leftmost placement, unchanged base first): chr5-36241612-C-CCGCGCGGCTGCCACAGCCCGCCAGCT. GRCh37 (hg19) VCF-style: chr5-36241714-C-CCGCGCGGCTGCCACAGCCCGCCAGCT.
Other names: c.-190+458_-190+483dup (NM_153013.5, NM_001287341.2); short protein forms D63fs.
Identifiers: ClinVar variation 1878982 (VCV001878982.3), dbSNP rs751370720, ClinGen allele CA3234805.

ClinVar aggregate classification (germline): Conflicting classifications of pathogenicity. Review status: criteria provided, conflicting classifications (1 of 4 stars). 2 submissions from 2 submitters: Likely pathogenic (1); Uncertain significance (1). Last evaluated 2026-01-08.

Conditions:
Progressive encephalopathy with leukodystrophy due to DECR deficiency. Identifiers: Orphanet 431361, MedGen C1857252, MONDO:0014464, OMIM 616034.

Submissions (2):

Labcorp Genetics (formerly Invitae), Labcorp
Classification: Uncertain significance for Progressive encephalopathy with leukodystrophy due to DECR deficiency. Last evaluated: 2026-01-08. Review status: criteria provided, single submitter. Criteria: Invitae Variant Classification Sherloc (09022015). Collection method: clinical testing. Allele origin: germline.
Comment: This sequence change creates a premature translational stop signal (p.Asp63Serfs*44) in the NADK2 gene. It is expected to result in an absent or disrupted protein product. However, the current clinical and genetic evidence is not sufficient to establish whether loss-of-function variants in NADK2 cause disease. This variant is present in population databases (no rsID available, gnomAD 0.01%). This variant has not been reported in the literature in individuals affected with NADK2-related conditions. ClinVar contains an entry for this variant (Variation ID: 1878982). In summary, the available evidence is currently insufficient to determine the role of this variant in disease. Therefore, it has been classified as a Variant of Uncertain Significance.

GeneDx
Classification: Likely pathogenic. Last evaluated: 2024-03-25. Review status: criteria provided, single submitter. Criteria: GeneDx Variant Classification Process June 2021. Collection method: clinical testing. Allele origin: germline. Affected: yes.
Comment: Has not been previously published as pathogenic or benign to our knowledge; Frameshift variant predicted to result in protein truncation or nonsense mediated decay in a gene for which loss of function is a known mechanism of disease; Not observed at significant frequency in large population cohorts (gnomAD)